The following is an entry in ClinVar:

ClinVar aggregate classification (germline): Likely benign. Review status: criteria provided, multiple submitters, no conflicts (2 of 4 stars). 2 submissions from 2 submitters: Likely benign (2). Last evaluated 2024-11-18.

Allele frequency attached by ClinVar (database versions not stated): TOPMed 0.00002; ExAC 0.00003; gnomAD exomes 0.00003 and 0.00004; gnomAD 0.00005 and 0.00006.
gnomAD v4.1: 62 of 1,613,360 alleles (0.0038%); highest among the groups gnomAD compares: African/African-American, 0.0093%; no homozygotes.

Submissions (2):

Labcorp Genetics (formerly Invitae), Labcorp
Classification: Likely benign. Last evaluated: 2024-11-18. Review status: criteria provided, single submitter. Criteria: Invitae Variant Classification Sherloc (09022015). Collection method: clinical testing. Allele origin: germline.

CeGaT Center for Human Genetics Tuebingen
Classification: Likely benign. Last evaluated: 2023-05-01. Review status: criteria provided, single submitter. Criteria: CeGaT Center For Human Genetics Tuebingen Variant Classification Criteria Version 2. Collection method: clinical testing. Allele origin: germline. Affected: yes. Observed: 1 variant allele.
Comment: LONP1: BP4, BP7

NM_004793.4(LONP1):c.2283G>A (p.Pro761=)

Gene: LONP1 (lon peptidase 1, mitochondrial; minus strand). Cytogenetic location: 19p13.3.
Variant type: single nucleotide variant.
Coding change: c.2283G>A on transcript NM_004793.4 (MANE Select); coding-DNA position 2283, G replaced by A.
Protein change: p.Pro761=; no amino-acid change (proline 761 retained).
Molecular consequence: synonymous variant. On other transcripts: non-coding transcript variant (1).
Genome position (GRCh38, 1-based): chr19:5,694,424, C>T on the plus strand (G>A on the coding strand, the complement: LONP1 is on the minus strand). VCF-style: chr19-5694424-C-T. GRCh37 (hg19) VCF-style: chr19-5694435-C-T.
Other names: c.2091G>A, p.Pro697= (NM_001276479.2); c.1695G>A, p.Pro565= (NM_001276480.1).
Identifiers: ClinVar variation 746456 (VCV000746456.32), dbSNP rs764334025, ClinGen allele CA9114191.